The following is an entry in ClinVar:

NM_152443.3(RDH12):c.314_318del (p.Ile105fs)

Genes: RDH12 (retinol dehydrogenase 12; plus strand), GPHN (gephyrin; plus strand). Cytogenetic location: 14q24.1.
Variant type: Deletion.
Coding change: c.314_318del on transcript NM_152443.3 (MANE Select); coding-DNA positions 314 to 318, 5 bases deleted (TCCGA; older notation c.314_318delTCCGA).
Protein change: p.Ile105fs; shifts the reading frame from isoleucine 105.
Molecular consequence: frameshift variant.
Genome position (GRCh38, 1-based): chr14:67,725,225-67,725,229, TCCGA deleted; deleting any 5 consecutive bases within chr14:67,725,224-67,725,229 gives the same sequence; the c. name uses the placement nearest the transcript's 3' end. VCF-style (leftmost placement, unchanged base first): chr14-67725223-TATCCG-T. GRCh37 (hg19) VCF-style: chr14-68191940-TATCCG-T.
Other names: short protein forms I105fs.
Identifiers: ClinVar variation 2122910 (VCV002122910.4), dbSNP rs2503798936, ClinGen allele CA2580088594.

ClinVar aggregate classification (germline): Pathogenic (1 of 4 stars; one submission).

Conditions:
Leber congenital amaurosis 13 (LCA13). Identifiers: MedGen C2675186, MONDO:0012990, OMIM 612712.

Submission:

Labcorp Genetics (formerly Invitae), Labcorp
Classification: Pathogenic for Leber congenital amaurosis 13. Last evaluated: 2022-04-08. Review status: criteria provided, single submitter. Criteria: Invitae Variant Classification Sherloc (09022015). Collection method: clinical testing. Allele origin: germline.
Comment: This sequence change creates a premature translational stop signal (p.Ile105Serfs*4) in the RDH12 gene. It is expected to result in an absent or disrupted protein product. Loss-of-function variants in RDH12 are known to be pathogenic (PMID: 17964524, 22065924). For these reasons, this variant has been classified as Pathogenic. Algorithms developed to predict the effect of sequence changes on RNA splicing suggest that this variant may disrupt the consensus splice site. This variant has not been reported in the literature in individuals affected with RDH12-related conditions. This variant is not present in population databases (gnomAD no frequency).

Literature cited by the submitters: PubMed 17964524; PubMed 22065924.